The following is an entry in ClinVar:

NM_001100913.3(PACS2):c.1501T>G (p.Ser501Ala)

Gene: PACS2 (phosphofurin acidic cluster sorting protein 2; plus strand). Cytogenetic location: 14q32.33.
Variant type: single nucleotide variant.
Coding change: c.1501T>G on transcript NM_001100913.3 (MANE Select); coding-DNA position 1501, T replaced by G.
Protein change: p.Ser501Ala; replaces serine 501 with alanine.
Molecular consequence: missense variant.
Genome position (GRCh38, 1-based): chr14:105,382,564, T>G. VCF-style: chr14-105382564-T-G. GRCh37 (hg19) VCF-style: chr14-105848901-T-G.
Other names: c.1264T>G, p.Ser422Ala (NM_001243127.3); c.1489T>G, p.Ser497Ala (NM_015197.4); short protein forms S497A, S501A, S422A.
Identifiers: ClinVar variation 2090102 (VCV002090102.4), dbSNP rs2544810828, ClinGen allele CA391182486.

ClinVar aggregate classification (germline): Uncertain significance (1 of 4 stars; one submission).

Allele frequency attached by ClinVar (database versions not stated): gnomAD exomes below 0.00001.
gnomAD v4.1: 3 of 1,608,276 alleles (0.00019%); highest among the groups gnomAD compares: African/African-American, 0.004%; no homozygotes.

Submission:

Labcorp Genetics (formerly Invitae), Labcorp
Classification: Uncertain significance. Last evaluated: 2022-01-26. Review status: criteria provided, single submitter. Criteria: Invitae Variant Classification Sherloc (09022015). Collection method: clinical testing. Allele origin: germline.
Comment: In summary, the available evidence is currently insufficient to determine the role of this variant in disease. Therefore, it has been classified as a Variant of Uncertain Significance. Algorithms developed to predict the effect of missense changes on protein structure and function are either unavailable or do not agree on the potential impact of this missense change (SIFT: "Tolerated"; PolyPhen-2: "Probably Damaging"; Align-GVGD: "Class C0"). This variant has not been reported in the literature in individuals affected with PACS2-related conditions. This variant is not present in population databases (gnomAD no frequency). This sequence change replaces serine, which is neutral and polar, with alanine, which is neutral and non-polar, at codon 501 of the PACS2 protein (p.Ser501Ala).